The following is an entry in ClinVar:

ClinVar aggregate classification (germline): Uncertain significance (1 of 4 stars; one submission).

Conditions:
Autosomal recessive ataxia, Beauce type. Also called: SYNE1-Related Autosomal Recessive Cerebellar Ataxia; Spinocerebellar ataxia, autosomal recessive 8; ATAXIA, RECESSIVE, OF BEAUCE; SYNE1 Deficiency. Identifiers: Orphanet 88644, MedGen C1853116, MONDO:0012549, OMIM 610743.
Emery-Dreifuss muscular dystrophy 4, autosomal dominant (EDMD4). Also called: EMERY-DREIFUSS MUSCULAR DYSTROPHY 4 WITH VARIABLE FEATURES. Identifiers: Orphanet 261, MedGen C2751807, MONDO:0013071, OMIM 612998.

Allele frequency attached by ClinVar (database versions not stated): gnomAD exomes below 0.00001; TOPMed 0.00001.
gnomAD v4.1: 1 of 1,614,132 alleles (0.000062%); highest among the groups gnomAD compares: Non-Finnish European, 0.000085%; no homozygotes.

Submission:

Labcorp Genetics (formerly Invitae), Labcorp
Classification: Uncertain significance for Emery-Dreifuss muscular dystrophy 4, autosomal dominant; Autosomal recessive ataxia, Beauce type. Last evaluated: 2024-02-09. Review status: criteria provided, single submitter. Criteria: Invitae Variant Classification Sherloc (09022015). Collection method: clinical testing. Allele origin: germline.
Comment: This sequence change replaces phenylalanine, which is neutral and non-polar, with serine, which is neutral and polar, at codon 2327 of the SYNE1 protein (p.Phe2327Ser). This variant is not present in population databases (gnomAD no frequency). This variant has not been reported in the literature in individuals affected with SYNE1-related conditions. ClinVar contains an entry for this variant (Variation ID: 1497247). An algorithm developed to predict the effect of missense changes on protein structure and function (PolyPhen-2) suggests that this variant is likely to be tolerated. In summary, the available evidence is currently insufficient to determine the role of this variant in disease. Therefore, it has been classified as a Variant of Uncertain Significance.

NM_182961.4(SYNE1):c.6959T>C (p.Phe2320Ser)

Gene: SYNE1 (spectrin repeat containing nuclear envelope protein 1; minus strand). Cytogenetic location: 6q25.2.
Variant type: single nucleotide variant.
Coding change: c.6959T>C on transcript NM_182961.4 (MANE Select); coding-DNA position 6959, T replaced by C.
Protein change: p.Phe2320Ser; replaces phenylalanine 2320 with serine.
Molecular consequence: missense variant.
Genome position (GRCh38, 1-based): chr6:152,401,208, A>G on the plus strand (T>C on the coding strand, the complement: SYNE1 is on the minus strand). VCF-style: chr6-152401208-A-G. GRCh37 (hg19) VCF-style: chr6-152722343-A-G.
Other names: c.6980T>C, p.Phe2327Ser (NM_033071.5); short protein forms F2327S, F2320S.
Identifiers: ClinVar variation 1497247 (VCV001497247.6), dbSNP rs2097810439, ClinGen allele CA366119615.